The following is an entry in ClinVar:

ClinVar aggregate classification (germline): Uncertain significance. Review status: criteria provided, multiple submitters, no conflicts (2 of 4 stars). 2 submissions from 2 submitters: Uncertain significance (2). Last evaluated 2025-11-05.

Conditions:
Charcot-Marie-Tooth disease axonal type 2Z. Also called: CHARCOT-MARIE-TOOTH DISEASE, AXONAL, AUTOSOMAL DOMINANT, TYPE 2Z; CHARCOT-MARIE-TOOTH NEUROPATHY, TYPE 2Z. Identifiers: Orphanet 466768, MedGen C5569025, MONDO:0014736, OMIM 616688.

Allele frequency attached by ClinVar (database versions not stated): gnomAD exomes below 0.00001; ExAC 0.00001.
gnomAD v4.1: 3 of 1,614,178 alleles (0.00019%); highest among the groups gnomAD compares: Admixed American, 0.0017%; no homozygotes.

Submissions (2):

Women's Health and Genetics/Laboratory Corporation of America, LabCorp
Classification: Uncertain significance. Last evaluated: 2025-11-05. Review status: criteria provided, single submitter. Criteria: LabCorp Variant Classification Summary - May 2015. Collection method: clinical testing. Allele origin: germline.
Comment: Variant summary: MORC2 c.2468G>A (p.Arg823Gln) results in a conservative amino acid change in the encoded protein sequence. Algorithms developed to predict the effect of missense changes on protein structure and function are either unavailable or do not agree on the potential impact of this missense change. The variant allele was found at a frequency of 4e-06 in 251452 control chromosomes. The available data on variant occurrences in the general population are insufficient to allow any conclusion about variant significance. To our knowledge, no occurrence of c.2468G>A in individuals affected with MORC2-related conditions and no experimental evidence demonstrating its impact on protein function have been reported. ClinVar contains an entry for this variant (Variation ID: 945054). Based on the evidence outlined above, the variant was classified as uncertain significance.

Labcorp Genetics (formerly Invitae), Labcorp
Classification: Uncertain significance for Charcot-Marie-Tooth disease axonal type 2Z. Last evaluated: 2022-05-18. Review status: criteria provided, single submitter. Criteria: Invitae Variant Classification Sherloc (09022015). Collection method: clinical testing. Allele origin: germline.
Comment: In summary, the available evidence is currently insufficient to determine the role of this variant in disease. Therefore, it has been classified as a Variant of Uncertain Significance. Advanced modeling of protein sequence and biophysical properties (such as structural, functional, and spatial information, amino acid conservation, physicochemical variation, residue mobility, and thermodynamic stability) performed at Invitae indicates that this missense variant is expected to disrupt MORC2 protein function. ClinVar contains an entry for this variant (Variation ID: 945054). This variant has not been reported in the literature in individuals affected with MORC2-related conditions. This variant is present in population databases (rs764479914, gnomAD 0.003%). This sequence change replaces arginine, which is basic and polar, with glutamine, which is neutral and polar, at codon 823 of the MORC2 protein (p.Arg823Gln).

NM_001303256.3(MORC2):c.2468G>A (p.Arg823Gln)

Gene: MORC2 (MORC family CW-type zinc finger 2; minus strand). Cytogenetic location: 22q12.2.
Variant type: single nucleotide variant.
Coding change: c.2468G>A on transcript NM_001303256.3 (MANE Select); coding-DNA position 2468, G replaced by A.
Protein change: p.Arg823Gln; replaces arginine 823 with glutamine.
Molecular consequence: missense variant.
Genome position (GRCh38, 1-based): chr22:30,932,943, C>T on the plus strand (G>A on the coding strand, the complement: MORC2 is on the minus strand). VCF-style: chr22-30932943-C-T. GRCh37 (hg19) VCF-style: chr22-31328930-C-T.
Other names: c.2468G>A, p.Arg823Gln (NM_001303257.2); c.2282G>A, p.Arg761Gln (NM_014941.3); short protein forms R761Q, R823Q.
Identifiers: ClinVar variation 945054 (VCV000945054.11), dbSNP rs764479914, ClinGen allele CA10186647.